The following is an entry in ClinVar:

ClinVar aggregate classification (germline): Pathogenic (1 of 4 stars; one submission).

Submission:

Labcorp Genetics (formerly Invitae), Labcorp
Classification: Pathogenic. Last evaluated: 2024-04-23. Review status: criteria provided, single submitter. Criteria: Invitae Variant Classification Sherloc (09022015). Collection method: clinical testing. Allele origin: germline.
Comment: This sequence change creates a premature translational stop signal (p.Ile443*) in the ASNS gene. It is expected to result in an absent or disrupted protein product. Loss-of-function variants in ASNS are known to be pathogenic (PMID: 27422383, 30057589). This variant is not present in population databases (gnomAD no frequency). This variant has not been reported in the literature in individuals affected with ASNS-related conditions. For these reasons, this variant has been classified as Pathogenic.

Literature cited by the submitters: PubMed 27422383; PubMed 30057589.

NM_001673.5(ASNS):c.1326del (p.Gly442_Ile443insTer)

Genes: ASNS (asparagine synthetase (glutamine-hydrolyzing); minus strand), CZ1P-ASNS (CZ1P-ASNS readthrough; minus strand). Cytogenetic location: 7q21.3.
Variant type: Deletion.
Coding change: c.1326del on transcript NM_001673.5 (MANE Select); coding-DNA position 1326, one base deleted (G; older notation c.1326delG).
Protein change: p.Gly442_Ile443insTer.
Molecular consequence: frameshift variant. On other transcripts: non-coding transcript variant (1).
Genome position (GRCh38, 1-based): chr7:97,853,210, C deleted on the plus strand (G on the coding strand, the reverse complement: ASNS is on the minus strand); the first of 3 consecutive C bases (chr7:97,853,210-97,853,212); deleting any one gives the same sequence. VCF-style (leftmost placement, unchanged base first): chr7-97853209-TC-T. GRCh37 (hg19) VCF-style: chr7-97482521-TC-T.
Other names: c.1263del, p.Gly421_Ile422insTer (NM_001178075.2); c.1077del, p.Gly359_Ile360insTer (NM_001178076.2, NM_001178077.1); c.1326del, p.Gly442_Ile443insTer (NM_001352496.2, NM_133436.3, NM_183356.4).
Identifiers: ClinVar variation 3633088 (VCV003633088.2).